The following is an entry in ClinVar:

ClinVar aggregate classification (germline): Uncertain significance (1 of 4 stars; one submission).

gnomAD v4.1: 11 of 1,614,108 alleles (0.00068%); highest among the groups gnomAD compares: Non-Finnish European, 0.00068%; no homozygotes.

Submission:

Ambry Genetics
Classification: Uncertain significance. Last evaluated: 2024-07-27. Review status: criteria provided, single submitter. Criteria: Ambry Variant Classification Scheme 2023. Collection method: clinical testing. Allele origin: germline.
Comment: The p.A804P variant (also known as c.2410G>C), located in coding exon 15 of the POLQ gene, results from a G to C substitution at nucleotide position 2410. The alanine at codon 804 is replaced by proline, an amino acid with highly similar properties. This amino acid position is conserved. In addition, the in silico prediction for this alteration is inconclusive. Since supporting evidence is limited at this time, the clinical significance of this alteration remains unclear.

NM_199420.4(POLQ):c.2410G>C (p.Ala804Pro)

Gene: POLQ (DNA polymerase theta; minus strand). Cytogenetic location: 3q13.33.
Variant type: single nucleotide variant.
Coding change: c.2410G>C on transcript NM_199420.4 (MANE Select); coding-DNA position 2410, G replaced by C.
Protein change: p.Ala804Pro; replaces alanine 804 with proline.
Molecular consequence: missense variant.
Genome position (GRCh38, 1-based): chr3:121,493,590, C>G on the plus strand (G>C on the coding strand, the complement: POLQ is on the minus strand). VCF-style: chr3-121493590-C-G. GRCh37 (hg19) VCF-style: chr3-121212437-C-G.
Other names: short protein forms A804P.
Identifiers: ClinVar variation 1790890 (VCV001790890.3), dbSNP rs749984399, ClinGen allele CA354107845.
Genomic context (GRCh38, chr3:121,493,590, plus strand): 5'-CTCTAGCAAGGTCTGCCACAGTATGAAAGCCAGAAGCATAGAGAACCCTGGCTCTCTGAG[C>G]ATTTAGTAAGGATACCCGAACCAGGTCACACAGCTCCCTCTGGATGCCAAACGTAAGACG-3'
Protein context (NP_955452.3, residues 794-814): CDLVRVSLLN[Ala804Pro]QRARVLYASG